The following is an entry in ClinVar:

NM_001198800.3(ASCC1):c.326A>G (p.His109Arg)

Gene: ASCC1 (activating signal cointegrator 1 complex subunit 1; minus strand). Cytogenetic location: 10q22.1.
Variant type: single nucleotide variant.
Coding change: c.326A>G on transcript NM_001198800.3 (MANE Select); coding-DNA position 326, A replaced by G.
Protein change: p.His109Arg; replaces histidine 109 with arginine.
Molecular consequence: missense variant. On other transcripts: non-coding transcript variant (1).
Genome position (GRCh38, 1-based): chr10:72,196,974, T>C on the plus strand (A>G on the coding strand, the complement: ASCC1 is on the minus strand). VCF-style: chr10-72196974-T-C. GRCh37 (hg19) VCF-style: chr10-73956732-T-C.
Other names: c.326A>G, p.His109Arg (NM_001198798.2, NM_001369087.1, NM_001369088.1 and 18 more transcripts); c.410A>G, p.His137Arg (NM_001198799.3); c.392A>G, p.His131Arg (NM_001369085.1, NM_001369086.1, NM_001369099.1); c.209A>G, p.His70Arg (NM_001369101.1, NM_001369102.1, NM_001369105.1 and 2 more transcripts); short protein forms H109R, H131R, H137R, H70R.
Identifiers: ClinVar variation 1962206 (VCV001962206.5), dbSNP rs2494130617, ClinGen allele CA377161814.

ClinVar aggregate classification (germline): Uncertain significance (1 of 4 stars; one submission).

Allele frequency attached by ClinVar (database versions not stated): gnomAD exomes below 0.00001.
gnomAD v4.1: 2 of 1,613,628 alleles (0.00012%); highest among the groups gnomAD compares: Non-Finnish European, 0.00017%; no homozygotes.

Submission:

Labcorp Genetics (formerly Invitae), Labcorp
Classification: Uncertain significance. Last evaluated: 2022-01-21. Review status: criteria provided, single submitter. Criteria: Invitae Variant Classification Sherloc (09022015). Collection method: clinical testing. Allele origin: germline.
Comment: This variant is not present in population databases (gnomAD no frequency). This sequence change replaces histidine, which is basic and polar, with arginine, which is basic and polar, at codon 109 of the ASCC1 protein (p.His109Arg). This variant has not been reported in the literature in individuals affected with ASCC1-related conditions. In summary, the available evidence is currently insufficient to determine the role of this variant in disease. Therefore, it has been classified as a Variant of Uncertain Significance. Algorithms developed to predict the effect of missense changes on protein structure and function (SIFT, PolyPhen-2, Align-GVGD) all suggest that this variant is likely to be tolerated.